The following is an entry in ClinVar:

ClinVar aggregate classification (germline): Uncertain significance. Review status: criteria provided, multiple submitters, no conflicts (2 of 4 stars). 2 submissions from 2 submitters: Uncertain significance (2). Last evaluated 2025-03-13.

Conditions:
Aortic aneurysm, familial thoracic 8 (AAT8). Identifiers: MedGen C3809513, MONDO:0014187, OMIM 615436.
Familial thoracic aortic aneurysm and aortic dissection (TAAD). Also called: Thoracic aortic aneurysms and dissections. Identifiers: Orphanet 91387, MedGen C4707243, MONDO:0019625.

Allele frequency attached by ClinVar (database versions not stated): gnomAD exomes below 0.00001 and 0.00001; gnomAD 0.00001; TOPMed 0.00002.
gnomAD v4.1: 3 of 1,604,866 alleles (0.00019%); highest among the groups gnomAD compares: Non-Finnish European, 0.00026%; no homozygotes.

Submissions (2):

Labcorp Genetics (formerly Invitae), Labcorp
Classification: Uncertain significance for Aortic aneurysm, familial thoracic 8. Last evaluated: 2025-03-13. Review status: criteria provided, single submitter. Criteria: Invitae Variant Classification Sherloc (09022015). Collection method: clinical testing. Allele origin: germline.
Comment: This sequence change replaces isoleucine, which is neutral and non-polar, with threonine, which is neutral and polar, at codon 464 of the PRKG1 protein (p.Ile464Thr). This variant is present in population databases (no rsID available, gnomAD 0.0009%). This variant has not been reported in the literature in individuals affected with PRKG1-related conditions. ClinVar contains an entry for this variant (Variation ID: 646864). An algorithm developed to predict the effect of missense changes on protein structure and function (PolyPhen-2) suggests that this variant is likely to be disruptive. In summary, the available evidence is currently insufficient to determine the role of this variant in disease. Therefore, it has been classified as a Variant of Uncertain Significance.

Ambry Genetics
Classification: Uncertain significance for Familial thoracic aortic aneurysm and aortic dissection. Last evaluated: 2022-08-08. Review status: criteria provided, single submitter. Criteria: Ambry Variant Classification Scheme 2023. Collection method: clinical testing. Allele origin: germline.
Comment: The p.I464T variant (also known as c.1391T>C), located in coding exon 12 of the PRKG1 gene, results from a T to C substitution at nucleotide position 1391. The isoleucine at codon 464 is replaced by threonine, an amino acid with similar properties. This amino acid position is conserved. In addition, this alteration is predicted to be deleterious by in silico analysis. Since supporting evidence is limited at this time, the clinical significance of this alteration remains unclear.

NM_006258.4(PRKG1):c.1391T>C (p.Ile464Thr)

Gene: PRKG1 (protein kinase cGMP-dependent 1; plus strand). Cytogenetic location: 10q21.1.
Variant type: single nucleotide variant.
Coding change: c.1391T>C on transcript NM_006258.4 (MANE Select); coding-DNA position 1391, T replaced by C.
Protein change: p.Ile464Thr; replaces isoleucine 464 with threonine.
Molecular consequence: missense variant.
Genome position (GRCh38, 1-based): chr10:52,272,469, T>C. VCF-style: chr10-52272469-T-C. GRCh37 (hg19) VCF-style: chr10-54032229-T-C.
Other names: c.1391T>C, p.Ile464Thr (LRG_1135t1); c.1346T>C, p.Ile449Thr (LRG_1135t2, NM_001098512.3); short protein forms I464T, I449T.
Identifiers: ClinVar variation 646864 (VCV000646864.10), dbSNP rs1008442154, ClinGen allele CA207399884.
Genomic context (GRCh38, chr10:52,272,469, plus strand): 5'-AGGACAGCAAATATTTGTATATGTTGATGGAAGCTTGTCTAGGTGGAGAGCTCTGGACCA[T>C]TCTCAGGGATAGGTAGGAGATTTAAGAAATTTCTATGATATCTCTAAAAACAGTTGCCCA-3'
Protein context (NP_006249.1, residues 454-474): EACLGGELWT[Ile464Thr]LRDRGSFEDS